The following is an entry in ClinVar:

ClinVar aggregate classification (germline): Likely pathogenic (1 of 4 stars; one submission).

Conditions:
Myasthenic syndrome, congenital, 22 (CMS22). Also called: PREPL DEFICIENCY. Identifiers: MedGen C4479088, MONDO:0044299, OMIM 616224.

Submission:

Juno Genomics, Hangzhou Juno Genomics, Inc
Classification: Likely pathogenic for Myasthenic syndrome, congenital, 22. Review status: criteria provided, single submitter. Criteria: ACMG Guidelines, 2015. Collection method: clinical testing. Allele origin: germline.
Comment: Absent from controls (or at extremely low frequency if recessive) in Genome Aggregation Database.;Null variant in a gene where loss of function (LOF) is a known mechanism of disease.

NM_001171613.2(PREPL):c.1478_1479+1del

Gene: PREPL (prolyl endopeptidase like; minus strand). Cytogenetic location: 2p21.
Variant type: Deletion.
Coding change: c.1478_1479+1del on transcript NM_001171613.2 (MANE Select); coding-DNA position 1478 through the canonical splice donor site of the intron after coding-DNA position 1479, 3 bases deleted (AGG; older notation c.1478_1479+1delAGG).
Molecular consequence: splice donor variant.
Genome position (GRCh38, 1-based): chr2:44,326,711-44,326,713, CCT deleted on the plus strand (AGG on the coding strand, the reverse complement: PREPL is on the minus strand); deleting any 3 consecutive bases within chr2:44,326,711-44,326,715 gives the same sequence; the c. name uses the placement nearest the transcript's 3' end. VCF-style (leftmost placement, unchanged base first): chr2-44326710-ACCT-A. GRCh37 (hg19) VCF-style: chr2-44553849-ACCT-A.
Other names: c.1478_1479+1del (NM_001171617.1, NM_001374277.1); c.1745_1746+1del (NM_001171603.1, NM_001374275.1, NM_001374276.1 and 2 more transcripts); c.1559_1560+1del (NM_001042385.2); c.1547_1548+1del (NM_001042386.2).
Identifiers: ClinVar variation 5019576 (VCV005019576.2).